The following is an entry in ClinVar:

NM_020778.5(ALPK3):c.3341G>C (p.Arg1114Pro)

Gene: ALPK3 (alpha kinase 3; plus strand). Cytogenetic location: 15q25.3.
Variant type: single nucleotide variant.
Coding change: c.3341G>C on transcript NM_020778.5 (MANE Select); coding-DNA position 3341, G replaced by C.
Protein change: p.Arg1114Pro; replaces arginine 1114 with proline.
Molecular consequence: missense variant.
Genome position (GRCh38, 1-based): chr15:84,858,079, G>C. VCF-style: chr15-84858079-G-C. GRCh37 (hg19) VCF-style: chr15-85401310-G-C.
Other names: short protein forms R1114P.
Identifiers: ClinVar variation 3532947 (VCV003532947.3).

ClinVar aggregate classification (germline): Conflicting classifications of pathogenicity. Review status: criteria provided, conflicting classifications (1 of 4 stars). 2 submissions from 2 submitters: Uncertain significance (1); Likely benign (1). Last evaluated 2024-08-07.

Conditions:
Cardiovascular phenotype. Identifiers: MedGen CN230736.

Submissions (2):

Ambry Genetics
Classification: Likely benign for Cardiovascular phenotype. Last evaluated: 2024-08-07. Review status: criteria provided, single submitter. Criteria: Ambry Variant Classification Scheme 2023. Collection method: clinical testing. Allele origin: germline.

Labcorp Genetics (formerly Invitae), Labcorp
Classification: Uncertain significance. Last evaluated: 2024-07-01. Review status: criteria provided, single submitter. Criteria: Invitae Variant Classification Sherloc (09022015). Collection method: clinical testing. Allele origin: germline.
Comment: This sequence change replaces arginine, which is basic and polar, with proline, which is neutral and non-polar, at codon 1316 of the ALPK3 protein (p.Arg1316Pro). This variant is not present in population databases (gnomAD no frequency). This variant has not been reported in the literature in individuals affected with ALPK3-related conditions. Algorithms developed to predict the effect of missense changes on protein structure and function output the following: SIFT: "Not Available"; PolyPhen-2: "Benign"; Align-GVGD: "Not Available". The proline amino acid residue is found in multiple mammalian species, which suggests that this missense change does not adversely affect protein function. In summary, the available evidence is currently insufficient to determine the role of this variant in disease. Therefore, it has been classified as a Variant of Uncertain Significance.